The following is an entry in ClinVar:

ClinVar aggregate classification (germline): Likely benign. Review status: criteria provided, multiple submitters, no conflicts (2 of 4 stars). 3 submissions from 3 submitters: Likely benign (3). Last evaluated 2026-01-01.

Allele frequency attached by ClinVar (database versions not stated): 1000 Genomes Project 0.00100; 1000 Genomes Project 30x 0.00109; ESP Exome Variant Server 0.00180; gnomAD 0.00194 and 0.00200; gnomAD exomes 0.00203; TOPMed 0.00206; ExAC 0.00231.
gnomAD v4.1: 3,190 of 1,582,982 alleles (0.2%); highest among the groups gnomAD compares: Middle Eastern, 0.72%; 6 homozygotes.

Submissions (5):

CeGaT Center for Human Genetics Tuebingen
Classification: Likely benign. Last evaluated: 2026-01-01. Review status: criteria provided, single submitter. Criteria: CeGaT Center For Human Genetics Tuebingen Variant Classification Criteria Version 2. Collection method: clinical testing. Allele origin: germline. Affected: yes. Observed: 1 variant allele.
Comment: CPAMD8: BS1

Labcorp Genetics (formerly Invitae), Labcorp
Classification: Likely benign. Last evaluated: 2025-11-24. Review status: criteria provided, single submitter. Criteria: Invitae Variant Classification Sherloc (09022015). Collection method: clinical testing. Allele origin: germline.

Breakthrough Genomics
Classification: Likely benign. Review status: criteria provided, single submitter. Criteria: ACMG Guidelines, 2015. Collection method: not provided. Allele origin: germline. Inheritance: Autosomal recessive inheritance. Affected: yes.

Dr. Peter K. Rogan Lab, Western University
No classification provided (evidence only). Condition: Lung cancer. Review status: no classification provided. Collection method: in vitro. Allele origin: not applicable. Functional consequence: retained intron. Not counted in ClinVar's aggregate classification.

Dr. Peter K. Rogan Lab, Western University
No classification provided (evidence only). Condition: Uterine carcinosarcoma. Review status: no classification provided. Collection method: in vitro. Allele origin: not applicable. Functional consequence: retained intron. Not counted in ClinVar's aggregate classification.

NM_015692.5(CPAMD8):c.4960G>C (p.Glu1654Gln)

Gene: CPAMD8 (C3 and PZP like alpha-2-macroglobulin domain containing 8; minus strand). Cytogenetic location: 19p13.11.
Variant type: single nucleotide variant.
Coding change: c.4960G>C on transcript NM_015692.5 (MANE Select); coding-DNA position 4960, G replaced by C.
Protein change: p.Glu1654Gln; replaces glutamic acid 1654 with glutamine.
Molecular consequence: missense variant.
Genome position (GRCh38, 1-based): chr19:16,897,796, C>G on the plus strand (G>C on the coding strand, the complement: CPAMD8 is on the minus strand). VCF-style: chr19-16897796-C-G. GRCh37 (hg19) VCF-style: chr19-17008607-C-G.
Other names: short protein forms E1654Q.
Identifiers: ClinVar variation 722411 (VCV000722411.15), dbSNP rs144048982, ClinGen allele CA9284402.